The following is an entry in ClinVar:

ClinVar aggregate classification (germline): Uncertain significance (1 of 4 stars; one submission).

Allele frequency attached by ClinVar (database versions not stated): TOPMed 0.00012; gnomAD 0.00013 and 0.00014; gnomAD exomes 0.00014.
gnomAD v4.1: 237 of 1,605,188 alleles (0.015%); highest among the groups gnomAD compares: Middle Eastern, 0.51%; no homozygotes.

Submission:

Labcorp Genetics (formerly Invitae), Labcorp
Classification: Uncertain significance. Last evaluated: 2025-12-21. Review status: criteria provided, single submitter. Criteria: Invitae Variant Classification Sherloc (09022015). Collection method: clinical testing. Allele origin: germline.
Comment: This sequence change replaces arginine, which is basic and polar, with cysteine, which is neutral and slightly polar, at codon 214 of the MICAL1 protein (p.Arg214Cys). This variant is present in population databases (rs201545668, gnomAD 0.03%). This variant has not been reported in the literature in individuals affected with MICAL1-related conditions. ClinVar contains an entry for this variant (Variation ID: 1349011). An algorithm developed to predict the effect of missense changes on protein structure and function outputs the following: PolyPhen-2: "Benign". The cysteine amino acid residue is found in multiple mammalian species, which suggests that this missense change does not adversely affect protein function. In summary, the available evidence is currently insufficient to determine the role of this variant in disease. Therefore, it has been classified as a Variant of Uncertain Significance.

NM_022765.4(MICAL1):c.583C>T (p.Arg195Cys)

Gene: MICAL1 (microtubule associated monooxygenase, calponin and LIM domain containing 1; minus strand). Cytogenetic location: 6q21.
Variant type: single nucleotide variant.
Coding change: c.583C>T on transcript NM_022765.4 (MANE Select); coding-DNA position 583, C replaced by T.
Protein change: p.Arg195Cys; replaces arginine 195 with cysteine.
Molecular consequence: missense variant.
Genome position (GRCh38, 1-based): chr6:109,452,604, G>A on the plus strand (C>T on the coding strand, the complement: MICAL1 is on the minus strand). VCF-style: chr6-109452604-G-A. GRCh37 (hg19) VCF-style: chr6-109773807-G-A.
Other names: c.583C>T, p.Arg195Cys (NM_001159291.2); c.640C>T, p.Arg214Cys (NM_001286613.2); short protein forms R214C, R195C.
Identifiers: ClinVar variation 1349011 (VCV001349011.6), dbSNP rs201545668, ClinGen allele CA3953709.